The following is an entry in ClinVar:

ClinVar aggregate classification (germline): Pathogenic/Likely pathogenic. Review status: criteria provided, multiple submitters, no conflicts (2 of 4 stars). 2 submissions from 2 submitters: Pathogenic (1); Likely pathogenic (1). Last evaluated 2023-12-23.

Conditions:
Mucopolysaccharidosis, MPS-III-D (MPS3D). Also called: N-ACETYLGLUCOSAMINE-6-SULFATASE DEFICIENCY; SANFILIPPO SYNDROME D; MPS IIID (Sanfilippo Syndrome Type D); MPS III D; Mucopoly-saccharidosis type 3D; N-acetylglucosamine-6-sulfate sulfatase deficiency. Identifiers: Orphanet 581, Orphanet 79272, MedGen C0086650, MONDO:0009658, OMIM 252940.

Submissions (2):

Labcorp Genetics (formerly Invitae), Labcorp
Classification: Likely pathogenic for Mucopolysaccharidosis, MPS-III-D. Last evaluated: 2023-12-23. Review status: criteria provided, single submitter. Criteria: Invitae Variant Classification Sherloc (09022015). Collection method: clinical testing. Allele origin: germline.
Comment: This sequence change affects a donor splice site in intron 9 of the GNS gene. It is expected to disrupt RNA splicing. Variants that disrupt the donor or acceptor splice site typically lead to a loss of protein function (PMID: 16199547), and loss-of-function variants in GNS are known to be pathogenic (PMID: 20232353). This variant is not present in population databases (gnomAD no frequency). Disruption of this splice site has been observed in individual(s) with autosomal recessive mucopolysaccharidosis type IIID (PMID: 27512882). ClinVar contains an entry for this variant (Variation ID: 2506276). Algorithms developed to predict the effect of sequence changes on RNA splicing suggest that this variant may disrupt the consensus splice site. In summary, the currently available evidence indicates that the variant is pathogenic, but additional data are needed to prove that conclusively. Therefore, this variant has been classified as Likely Pathogenic.

Women's Health and Genetics/Laboratory Corporation of America, LabCorp
Classification: Pathogenic for Mucopolysaccharidosis, MPS-III-D. Last evaluated: 2023-05-19. Review status: criteria provided, single submitter. Criteria: LabCorp Variant Classification Summary - May 2015. Collection method: clinical testing. Allele origin: germline.
Comment: Variant summary: GNS c.1098+1G>A is located in a canonical splice-site and is predicted to affect mRNA splicing resulting in a significantly altered protein due to either exon skipping, shortening, or inclusion of intronic material. Several computational tools predict a significant impact on normal splicing: four predict the variant abolishes a 5' splicing donor site. However, these predictions have yet to be confirmed by functional studies. The variant was absent in 251464 control chromosomes (gnomAD). c.1098+1G>A has been reported in the literature in a homozygous individual affected with Mucopolysaccharidosis Type IIID (Sanfilippo Syndrome D) (Kaissi_2016). These data indicate that the variant is likely to be associated with disease. To our knowledge, no experimental evidence demonstrating an impact on protein function has been reported. The following publication has been ascertained in the context of this evaluation (PMID: 27512882). No clinical diagnostic laboratories have submitted clinical-significance assessments for this variant to ClinVar after 2014. Based on the evidence outlined above, the variant was classified as pathogenic.

Literature cited by the submitters: PubMed 16199547 (cited by Labcorp Genetics (formerly Invitae), Labcorp); PubMed 20232353 (cited by Labcorp Genetics (formerly Invitae), Labcorp); PubMed 27512882 (cited by Labcorp Genetics (formerly Invitae), Labcorp and Women's Health and Genetics/Laboratory Corporation of America, LabCorp).

NM_002076.4(GNS):c.1098+1G>A

Gene: GNS (glucosamine (N-acetyl)-6-sulfatase; minus strand). Cytogenetic location: 12q14.3.
Variant type: single nucleotide variant.
Coding change: c.1098+1G>A on transcript NM_002076.4 (MANE Select); the canonical splice donor site of the intron after coding-DNA position 1098, G replaced by A.
Molecular consequence: splice donor variant.
Genome position (GRCh38, 1-based): chr12:64,737,003, C>T on the plus strand (G>A on the coding strand, the complement: GNS is on the minus strand). VCF-style: chr12-64737003-C-T. GRCh37 (hg19) VCF-style: chr12-65130783-C-T.
Identifiers: ClinVar variation 2506276 (VCV002506276.4), dbSNP rs2539517747, ClinGen allele CA385605558.